The following is an entry in ClinVar:

ClinVar aggregate classification (germline): Likely benign (1 of 4 stars; one submission).

Allele frequency attached by ClinVar (database versions not stated): gnomAD 0.00002; gnomAD exomes 0.00002; TOPMed 0.00003; ExAC 0.00011.
gnomAD v4.1: 26 of 1,601,644 alleles (0.0016%); highest among the groups gnomAD compares: Admixed American, 0.019%; no homozygotes.

Submission:

CeGaT Center for Human Genetics Tuebingen
Classification: Likely benign. Last evaluated: 2022-11-01. Review status: criteria provided, single submitter. Criteria: CeGaT Center For Human Genetics Tuebingen Variant Classification Criteria Version 2. Collection method: clinical testing. Allele origin: germline. Affected: yes. Observed: 1 variant allele.
Comment: KIRREL3: BP4, BP7

NM_032531.4(KIRREL3):c.1068C>T (p.Cys356=)

Gene: KIRREL3 (kirre like nephrin family adhesion molecule 3; minus strand). Cytogenetic location: 11q24.2.
Variant type: single nucleotide variant.
Coding change: c.1068C>T on transcript NM_032531.4 (MANE Select); coding-DNA position 1068, C replaced by T.
Protein change: p.Cys356=; no amino-acid change (cysteine 356 retained).
Molecular consequence: synonymous variant.
Genome position (GRCh38, 1-based): chr11:126,446,816, G>A on the plus strand (C>T on the coding strand, the complement: KIRREL3 is on the minus strand). VCF-style: chr11-126446816-G-A. GRCh37 (hg19) VCF-style: chr11-126316711-G-A.
Other names: c.1068C>T, p.Cys356= (NM_001161707.2, NM_001301097.2).
Identifiers: ClinVar variation 2642536 (VCV002642536.24), dbSNP rs760302120, ClinGen allele CA6356054.
Genomic context (GRCh38, chr11:126,446,816, plus strand): 5'-CACCACTCCGGAGCCCCGCTTCATCCAGACGATGGTCAGGGATGGGTTGCCGGTCCAGGC[G>A]CAGCTGAAGATGGCATCAGAGCCCAGATCCACGAGCAAGGATTGGGGTTCTGTGGTCATC-3'
Protein context (NP_115920.1, residues 346-366): VDLGSDAIFS[Cys356=]AWTGNPSLTI